The following is an entry in ClinVar:

NM_004625.4(WNT7A):c.1A>G (p.Met1Val)

Gene: WNT7A (Wnt family member 7A; minus strand). Cytogenetic location: 3p25.1.
Variant type: single nucleotide variant.
Coding change: c.1A>G on transcript NM_004625.4 (MANE Select); coding-DNA position 1, A replaced by G.
Protein change: p.Met1Val; changes the start codon (methionine 1).
Molecular consequence: missense variant, initiator codon variant.
Genome position (GRCh38, 1-based): chr3:13,879,816, T>C on the plus strand (A>G on the coding strand, the complement: WNT7A is on the minus strand). VCF-style: chr3-13879816-T-C. GRCh37 (hg19) VCF-style: chr3-13921313-T-C.
Other names: short protein forms M1V.
Identifiers: ClinVar variation 4795188 (VCV004795188.1).

ClinVar aggregate classification (germline): Uncertain significance (1 of 4 stars; one submission).

Conditions:
WNT7A-related disorder. Also called: WNT7A-related condition.

Submission:

Laboratorio de Biologia Molecular/Medicina Genomica - IFF/Fiocruz, Instituto Fernandes Figueira, Fundacao Oswaldo Cruz
Classification: Uncertain significance for WNT7A-related conditions. Last evaluated: 2025-09-02. Review status: criteria provided, single submitter. Criteria: ACMG Guidelines, 2015. Collection method: clinical testing. Allele origin: biparental. Affected: yes. Observed: 1 variant allele.
Comment: Variant: c.1A>G (p.Met1?) in exon 1 of the WNT7A gene. Protein effect: This residue is highly conserved across species, and the variant results in loss of the canonical start codon due to the substitution of a nucleotide within the triplet encoding the first methionine, potentially leading to absence of the gene product. Notably, an alternative methionine is present 17 amino acids downstream (p.Met18), with no pathogenic variants reported upstream of this site. Functional analyses in vitro and in vivo indicate that partial loss of WNT7A function is associated with the Fuhrmann syndrome phenotype, whereas null mutations are linked to the more severe phenotype seen in Al-Awadi/Raas-Rothschild/Schinzel phocomelia syndrome (PMID: 16826533). Population database (gnomAD): Absent. Segregation/phase data: phase confirmed by testing of parents. ACMG/AMP criteria applied: PM2_Supporting, PM3_Supporting.

Literature cited by the submitters: PubMed 16826533.